The following is an entry in ClinVar:

NM_000152.5(GAA):c.2788C>A (p.Pro930Thr)

Gene: GAA (alpha glucosidase; plus strand). Cytogenetic location: 17q25.3.
Variant type: single nucleotide variant.
Coding change: c.2788C>A on transcript NM_000152.5 (MANE Select); coding-DNA position 2788, C replaced by A.
Protein change: p.Pro930Thr; replaces proline 930 with threonine.
Molecular consequence: missense variant.
Genome position (GRCh38, 1-based): chr17:80,118,794, C>A. VCF-style: chr17-80118794-C-A. GRCh37 (hg19) VCF-style: chr17-78092593-C-A.
Other names: c.2788C>A (LRG_673t1); c.2788C>A, p.Pro930Thr (NM_001079803.3, NM_001079804.3); short protein forms P930T.
Identifiers: ClinVar variation 665420 (VCV000665420.8), dbSNP rs1598594483, ClinGen allele CA401327420.

ClinVar aggregate classification (germline): Uncertain significance. Review status: criteria provided, single submitter (1 of 4 stars). 2 submissions from 2 submitters: Uncertain significance (1). 1 of the submissions does not count toward it. Last evaluated 2018-12-06.

Conditions:
Glycogen storage disease, type II (IOPD). Also called: Pompe Disease; Glycogen storage disease type 2; Acid maltase deficiency disease; Aglucosidase alfa; Deficiency of alpha-glucosidase; Deficiency of lysosomal alpha-glucosidase. Identifiers: Orphanet 365, MedGen C0017921, MONDO:0009290, OMIM 232300.

Submissions (2):

Labcorp Genetics (formerly Invitae), Labcorp
Classification: Uncertain significance for Glycogen storage disease, type II. Last evaluated: 2018-12-06. Review status: criteria provided, single submitter. Criteria: Invitae Variant Classification Sherloc (09022015). Collection method: clinical testing. Allele origin: germline.
Comment: In summary, the available evidence is currently insufficient to determine the role of this variant in disease. Therefore, it has been classified as a Variant of Uncertain Significance. Algorithms developed to predict the effect of missense changes on protein structure and function (SIFT, PolyPhen-2, Align-GVGD) all suggest that this variant is likely to be tolerated, but these predictions have not been confirmed by published functional studies and their clinical significance is uncertain. This variant has not been reported in the literature in individuals with GAA-related conditions. This variant is not present in population databases (ExAC no frequency). This sequence change replaces proline with threonine at codon 930 of the GAA protein (p.Pro930Thr). The proline residue is moderately conserved and there is a small physicochemical difference between proline and threonine.

Natera, Inc.
Classification: Uncertain significance for Glycogen storage disease type II. Last evaluated: 2020-03-11. Review status: no assertion criteria provided. Collection method: clinical testing. Allele origin: germline. Not counted in ClinVar's aggregate classification.